The following is an entry in ClinVar:

NM_000384.3(APOB):c.7624G>A (p.Val2542Ile)

Gene: APOB (apolipoprotein B; minus strand). Cytogenetic location: 2p24.1.
Variant type: single nucleotide variant.
Coding change: c.7624G>A on transcript NM_000384.3 (MANE Select); coding-DNA position 7624, G replaced by A.
Protein change: p.Val2542Ile; replaces valine 2542 with isoleucine.
Molecular consequence: missense variant.
Genome position (GRCh38, 1-based): chr2:21,009,244, C>T on the plus strand (G>A on the coding strand, the complement: APOB is on the minus strand). VCF-style: chr2-21009244-C-T. GRCh37 (hg19) VCF-style: chr2-21232116-C-T.
Other names: short protein forms V2542I.
Identifiers: ClinVar variation 3763603 (VCV003763603.2).

ClinVar aggregate classification (germline): Uncertain significance (1 of 4 stars; one submission).

Conditions:
Familial hypobetalipoproteinemia 1. Also called: Hypobetalipoproteinemia, normotriglyceridemic; Acanthocytosis with hypobetalipoproteinemia; APOB-Related Familial Hypobetalipoproteinemia. Identifiers: MedGen C4551990, MONDO:0014252, OMIM 615558.
Hypercholesterolemia, autosomal dominant, type B (FHCL2). Also called: APOB-Related Familial Hypercholesterolemia, Autosomal Dominant; Familial Hypercholesterolemia Type B; APOLIPOPROTEIN B-100, FAMILIAL DEFECTIVE; APOLIPOPROTEIN B-100, FAMILIAL LIGAND-DEFECTIVE; HYPERCHOLESTEROLEMIA, FAMILIAL, DUE TO LIGAND-DEFECTIVE APOLIPOPROTEIN B; Familial hypercholesterolemia 2. Identifiers: MedGen C1704417, MONDO:0007751, OMIM 144010.

gnomAD v4.1: 1 of 1,614,076 alleles (0.000062%); highest among the groups gnomAD compares: Non-Finnish European, 0.000085%; no homozygotes.

Submission:

Labcorp Genetics (formerly Invitae), Labcorp
Classification: Uncertain significance for Familial hypobetalipoproteinemia 1; Hypercholesterolemia, autosomal dominant, type B. Last evaluated: 2026-01-11. Review status: criteria provided, single submitter. Criteria: Invitae Variant Classification Sherloc (09022015). Collection method: clinical testing. Allele origin: germline.
Comment: This sequence change replaces valine, which is neutral and non-polar, with isoleucine, which is neutral and non-polar, at codon 2542 of the APOB protein (p.Val2542Ile). This variant is not present in population databases (gnomAD no frequency). This variant has not been reported in the literature in individuals affected with APOB-related conditions. ClinVar contains an entry for this variant (Variation ID: 3763603). Invitae Evidence Modeling of protein sequence and biophysical properties (such as structural, functional, and spatial information, amino acid conservation, physicochemical variation, residue mobility, and thermodynamic stability) indicates that this missense variant is not expected to disrupt APOB protein function with a negative predictive value of 95%. In summary, the available evidence is currently insufficient to determine the role of this variant in disease. Therefore, it has been classified as a Variant of Uncertain Significance.